The following is an entry in ClinVar:

ClinVar aggregate classification (germline): Uncertain significance (1 of 4 stars; one submission).

Submission:

Greenwood Genetic Center Diagnostic Laboratories, Greenwood Genetic Center
Classification: Uncertain significance. Last evaluated: 2024-05-17. Review status: criteria provided, single submitter. Criteria: ACMG Guidelines, 2015. Collection method: clinical testing. Allele origin: germline. Affected: yes.
Comment: PVS1, PM2, BS2

NM_024408.4(NOTCH2):c.2852_2855del (p.Asn951fs)

Gene: NOTCH2 (notch receptor 2; minus strand). Cytogenetic location: 1p12.
Variant type: Microsatellite.
Coding change: c.2852_2855del on transcript NM_024408.4 (MANE Select); coding-DNA positions 2852 to 2855, 4 bases deleted (ATGA; older notation c.2852_2855delATGA).
Protein change: p.Asn951fs; shifts the reading frame from asparagine 951.
Molecular consequence: frameshift variant.
Genome position (GRCh38, 1-based): chr1:119,941,652-119,941,655, TCAT deleted on the plus strand (ATGA on the coding strand, the reverse complement: NOTCH2 is on the minus strand); deleting any 4 consecutive bases within chr1:119,941,652-119,941,659 gives the same sequence; the c. name uses the placement nearest the transcript's 3' end. VCF-style (leftmost placement, unchanged base first): chr1-119941651-CTCAT-C. GRCh37 (hg19) VCF-style: chr1-120484274-CTCAT-C.
Other names: c.2852_2855del, p.Asn951fs (NM_001200001.2); short protein forms N951fs.
Identifiers: ClinVar variation 3338511 (VCV003338511.1).